The following is an entry in ClinVar:

NM_001130438.3(SPTAN1):c.5992+42T>C

Gene: SPTAN1 (spectrin alpha, non-erythrocytic 1; plus strand). Cytogenetic location: 9q34.11.
Variant type: single nucleotide variant.
Coding change: c.5992+42T>C on transcript NM_001130438.3 (MANE Select); 42 bases into the intron after coding-DNA position 5992, T replaced by C.
Molecular consequence: intron variant.
Genome position (GRCh38, 1-based): chr9:128,624,529, T>C. VCF-style: chr9-128624529-T-C. GRCh37 (hg19) VCF-style: chr9-131386808-T-C.
Other names: c.6028+42T>C (NM_001375318.1, NM_001375312.2); c.5992+42T>C (NM_001375311.2, NM_001375310.1, NM_001363759.2 and 1 more transcripts); c.5932+42T>C (NM_001375314.2, NM_001363765.2); c.5977+42T>C (NM_003127.4); c.5917+42T>C (NM_001195532.2).
Identifiers: ClinVar variation 2571339 (VCV002571339.27), dbSNP rs553118492, ClinGen allele CA5265613.

ClinVar aggregate classification (germline): Likely benign (1 of 4 stars; one submission).

Allele frequency attached by ClinVar (database versions not stated): TOPMed 0.00002; gnomAD 0.00014; gnomAD exomes 0.00023; ExAC 0.00067; 1000 Genomes Project 0.00180; 1000 Genomes Project 30x 0.00187.

Submission:

CeGaT Center for Human Genetics Tuebingen
Classification: Likely benign. Last evaluated: 2023-05-01. Review status: criteria provided, single submitter. Criteria: CeGaT Center For Human Genetics Tuebingen Variant Classification Criteria Version 2. Collection method: clinical testing. Allele origin: germline. Affected: yes. Observed: 3 variant alleles.
Comment: SPTAN1: BS1